The following is an entry in ClinVar:

NM_001453.3(FOXC1):c.751G>A (p.Ala251Thr)

Gene: FOXC1 (forkhead box C1; plus strand). Cytogenetic location: 6p25.3.
Variant type: single nucleotide variant.
Coding change: c.751G>A on transcript NM_001453.3 (MANE Select); coding-DNA position 751, G replaced by A.
Protein change: p.Ala251Thr; replaces alanine 251 with threonine.
Molecular consequence: missense variant.
Genome position (GRCh38, 1-based): chr6:1,611,196, G>A. VCF-style: chr6-1611196-G-A. GRCh37 (hg19) VCF-style: chr6-1611431-G-A.
Other names: short protein forms A251T.
Identifiers: ClinVar variation 1976886 (VCV001976886.5), dbSNP rs758470044, ClinGen allele CA362559490.

ClinVar aggregate classification (germline): Uncertain significance (1 of 4 stars; one submission).

Conditions:
Axenfeld-Rieger syndrome type 3 (RIEG3). Also called: AXENFELD-RIEGER ANOMALY WITH CARDIAC DEFECTS AND/OR SENSORINEURAL HEARING LOSS. Identifiers: Orphanet 782, MedGen C2678503, MONDO:0011233, OMIM 602482.

Allele frequency attached by ClinVar (database versions not stated): TOPMed below 0.00001; gnomAD 0.00001.

Submission:

Labcorp Genetics (formerly Invitae), Labcorp
Classification: Uncertain significance for Axenfeld-Rieger syndrome type 3. Last evaluated: 2022-09-04. Review status: criteria provided, single submitter. Criteria: Invitae Variant Classification Sherloc (09022015). Collection method: clinical testing. Allele origin: germline.
Comment: This variant has not been reported in the literature in individuals affected with FOXC1-related conditions. This sequence change replaces alanine, which is neutral and non-polar, with threonine, which is neutral and polar, at codon 251 of the FOXC1 protein (p.Ala251Thr). This variant is not present in population databases (gnomAD no frequency). Algorithms developed to predict the effect of missense changes on protein structure and function (SIFT, PolyPhen-2, Align-GVGD) all suggest that this variant is likely to be tolerated. In summary, the available evidence is currently insufficient to determine the role of this variant in disease. Therefore, it has been classified as a Variant of Uncertain Significance.